The following is an entry in ClinVar:

NM_014009.4(FOXP3):c.967G>A (p.Glu323Lys)

Gene: FOXP3 (forkhead box P3; minus strand). Cytogenetic location: Xp11.23.
Variant type: single nucleotide variant.
Coding change: c.967G>A on transcript NM_014009.4 (MANE Select); coding-DNA position 967, G replaced by A.
Protein change: p.Glu323Lys; replaces glutamic acid 323 with lysine.
Molecular consequence: missense variant.
Genome position (GRCh38, 1-based): chrX:49,253,917, C>T on the plus strand (G>A on the coding strand, the complement: FOXP3 is on the minus strand). VCF-style: chrX-49253917-C-T. GRCh37 (hg19) VCF-style: chrX-49110378-C-T.
Other names: c.862G>A, p.Glu288Lys (NM_001114377.2); short protein forms E323K, E288K.
Identifiers: ClinVar variation 944023 (VCV000944023.9), dbSNP rs2066050534, ClinGen allele CA412950445.

ClinVar aggregate classification (germline): Uncertain significance (1 of 4 stars; one submission).

Conditions:
Insulin-dependent diabetes mellitus secretory diarrhea syndrome (IPEX). Also called: DIABETES MELLITUS, CONGENITAL INSULIN-DEPENDENT, WITH FATAL SECRETORY DIARRHEA; DIARRHEA, POLYENDOCRINOPATHY, FATAL INFECTION SYNDROME, X-LINKED; ENTEROPATHY, AUTOIMMUNE, WITH HEMOLYTIC ANEMIA AND POLYENDOCRINOPATHY; Immunodeficiency, Polyendocrinopathy, and Enteropathy X-Linked Syndrome; X-Linked Syndrome of Polyendocrinopathy, Immune Dysfunction, and Diarrhea; IPEX and IPEX-Like. Identifiers: Orphanet 37042, MedGen C0342288, MONDO:0010580, OMIM 304790. Disease mechanism: loss of function.

Submission:

Labcorp Genetics (formerly Invitae), Labcorp
Classification: Uncertain significance for Insulin-dependent diabetes mellitus secretory diarrhea syndrome. Last evaluated: 2023-07-14. Review status: criteria provided, single submitter. Criteria: Invitae Variant Classification Sherloc (09022015). Collection method: clinical testing. Allele origin: germline.
Comment: This missense change has been observed in individual(s) with clinical features of immune dysregulation, polyendocrinopathy, enteropathy, X-linked (IPEX) syndrome (PMID: 30443250). In summary, the available evidence is currently insufficient to determine the role of this variant in disease. Therefore, it has been classified as a Variant of Uncertain Significance. Variants that disrupt the consensus splice site are a relatively common cause of aberrant splicing (PMID: 17576681, 9536098). An algorithm developed to predict the effect of missense changes on protein structure and function (PolyPhen-2) suggests that this variant is likely to be tolerated. ClinVar contains an entry for this variant (Variation ID: 944023). This variant is not present in population databases (gnomAD no frequency). This sequence change replaces glutamic acid, which is acidic and polar, with lysine, which is basic and polar, at codon 323 of the FOXP3 protein (p.Glu323Lys). This variant also falls at the last nucleotide of exon 9, which is part of the consensus splice site for this exon.

Literature cited by the submitters: PubMed 30443250; PubMed 17576681; PubMed 9536098.